The following is an entry in ClinVar:

NM_007294.4(BRCA1):c.4767T>G (p.Arg1589=)

Gene: BRCA1 (BRCA1 DNA repair associated; minus strand). Cytogenetic location: 17q21.31.
Variant type: single nucleotide variant.
Coding change: c.4767T>G on transcript NM_007294.4 (MANE Select); coding-DNA position 4767, T replaced by G.
Protein change: p.Arg1589=; no amino-acid change (arginine 1589 retained).
Molecular consequence: synonymous variant. On other transcripts: intron variant (1).
Genome position (GRCh38, 1-based): chr17:43,071,147, A>C on the plus strand (T>G on the coding strand, the complement: BRCA1 is on the minus strand). VCF-style: chr17-43071147-A-C. GRCh37 (hg19) VCF-style: chr17-41223164-A-C.
Other names: p.R1589R:CGT>CGG; c.1332T>G, p.Arg444= (NM_001408436.1, NM_001408437.1, NM_001408438.1 and 10 more transcripts); c.1329T>G, p.Arg443= (NM_001408445.1, NM_001408446.1, NM_001408447.1 and 2 more transcripts); c.1323T>G, p.Arg441= (NM_001408451.1); c.1317T>G, p.Arg439= (NM_001408452.1, NM_001408453.1, NM_001408454.1 and 3 more transcripts); c.1314T>G, p.Arg438= (NM_001408458.1, NM_001408459.1, NM_001408460.1 and 7 more transcripts); c.1311T>G, p.Arg437= (NM_001408468.1, NM_001408469.1, NM_001408470.1); c.1455T>G, p.Arg485= (NM_001408472.1, NM_007298.4, NM_007299.4 and 13 more transcripts); and 72 more.
Identifiers: ClinVar variation 136550 (VCV000136550.22), dbSNP rs587780864, ClinGen allele CA003014.

ClinVar aggregate classification (germline): Likely benign. Review status: reviewed by expert panel (3 of 4 stars). 6 submissions from 6 submitters: Likely benign (1). 5 of the submissions do not count toward it. Last evaluated 2017-06-29.

Conditions:
Hereditary cancer-predisposing syndrome. Also called: Tumor predisposition; Hereditary neoplastic syndrome; Hereditary Cancer Syndrome; Neoplastic Syndromes, Hereditary. Identifiers: Orphanet 140162, MedGen C0027672, MeSH D009386, MONDO:0015356.
Hereditary breast ovarian cancer syndrome. Also called: Hereditary breast and/or ovarian cancer syndrome; Breast and ovarian cancer; Hereditary breast and ovarian cancer syndrome; Hereditary breast and ovarian cancer; Hereditary breast and ovarian cancer syndrome (HBOC); BRCA1- and BRCA2-Associated Hereditary Breast and Ovarian Cancer. Identifiers: Orphanet 145, MedGen C0677776, MeSH D061325, MONDO:0003582. Disease mechanism: loss of function.
Breast-ovarian cancer, familial, susceptibility to, 1 (BROVCA1). Also called: BRCA1 Hereditary Breast and Ovarian Cancer; OVARIAN CANCER, SUSCEPTIBILITY TO. Identifiers: Orphanet 145, MedGen C2676676, MONDO:0011450, OMIM 604370. Disease mechanism: loss of function.

Allele frequency attached by ClinVar (database versions not stated): gnomAD 0.00001; TOPMed 0.00002.
gnomAD v4.1: 2 of 1,614,086 alleles (0.00012%); highest among the groups gnomAD compares: African/African-American, 0.0027%; no homozygotes.

Submissions (6):

Evidence-based Network for the Interpretation of Germline Mutant Alleles (ENIGMA)
Classification: Likely benign for Breast-ovarian cancer, familial, susceptibility to, 1. Last evaluated: 2017-06-29. Review status: reviewed by expert panel. Criteria: ENIGMA BRCA1/2 Classification Criteria (2017-06-29). Collection method: curation. Allele origin: germline.
Comment: Synonymous substitution variant, with low bioinformatic likelihood to result in a splicing aberration (Splicing prior probability 0.02).

Labcorp Genetics (formerly Invitae), Labcorp
Classification: Likely benign for Hereditary breast ovarian cancer syndrome. Last evaluated: 2025-12-22. Review status: criteria provided, single submitter. Criteria: Invitae Variant Classification Sherloc (09022015). Collection method: clinical testing. Allele origin: germline. Not counted in ClinVar's aggregate classification.

Women's Health and Genetics/Laboratory Corporation of America, LabCorp
Classification: Likely benign. Last evaluated: 2023-07-07. Review status: criteria provided, single submitter. Criteria: LabCorp Variant Classification Summary - May 2015. Collection method: clinical testing. Allele origin: germline. Not counted in ClinVar's aggregate classification.

Color Diagnostics, LLC DBA Color Health
Classification: Likely benign for Hereditary cancer-predisposing syndrome. Last evaluated: 2019-05-22. Review status: criteria provided, single submitter. Criteria: ACMG Guidelines, 2015. Collection method: clinical testing. Allele origin: germline. Not counted in ClinVar's aggregate classification.

Ambry Genetics
Classification: Likely benign for Hereditary cancer-predisposing syndrome. Last evaluated: 2014-11-28. Review status: criteria provided, single submitter. Criteria: Ambry Variant Classification Scheme 2023. Collection method: clinical testing. Allele origin: germline. Not counted in ClinVar's aggregate classification.

GeneDx
Classification: Benign. Last evaluated: 2014-02-11. Review status: criteria provided, single submitter. Criteria: GeneDx Variant Classification (06012015). Collection method: clinical testing. Allele origin: germline. Affected: yes. Not counted in ClinVar's aggregate classification.
Comment: This variant is considered likely benign or benign based on one or more of the following criteria: it is a conservative change, it occurs at a poorly conserved position in the protein, it is predicted to be benign by multiple in silico algorithms, and/or has population frequency not consistent with disease.